The following is an entry in ClinVar:

NM_000548.5(TSC2):c.4872G>A (p.Leu1624=)

Gene: TSC2 (TSC complex subunit 2; plus strand). Cytogenetic location: 16p13.3.
Variant type: single nucleotide variant.
Coding change: c.4872G>A on transcript NM_000548.5 (MANE Select); coding-DNA position 4872, G replaced by A.
Protein change: p.Leu1624=; no amino-acid change (leucine 1624 retained).
Molecular consequence: synonymous variant.
Genome position (GRCh38, 1-based): chr16:2,086,754, G>A. VCF-style: chr16-2086754-G-A. GRCh37 (hg19) VCF-style: chr16-2136755-G-A.
Other names: c.4872G>A (NM_000548.3); c.4671G>A, p.Leu1557= (NM_001077183.3); c.4803G>A, p.Leu1601= (NM_001114382.3); c.4563G>A, p.Leu1521= (NM_001318827.2); c.4527G>A, p.Leu1509= (NM_001318829.2); c.4140G>A, p.Leu1380= (NM_001318831.2); c.4704G>A, p.Leu1568= (NM_001318832.2); c.4674G>A, p.Leu1558= (NM_001363528.2); and 2 more.
Identifiers: ClinVar variation 1534614 (VCV001534614.11), dbSNP rs2151584763, ClinGen allele CA492959742.
Genomic context (GRCh38, chr16:2,086,754, plus strand): 5'-CTGGCCCCACAAACCCATCCGGCCCTGCTCACCCTCAGCCGTCTTCCACATCGCCACCCT[G>A]ATGCCCACCAAGGACGTGGACAAGCACCGCTGCGACAAGAAGCGCCACCTGGGCAACGAC-3'
Protein context (NP_000539.2, residues 1614-1634): IMQAVFHIAT[Leu1624=]MPTKDVDKHR

ClinVar aggregate classification (germline): Benign/Likely benign. Review status: criteria provided, multiple submitters, no conflicts (2 of 4 stars). 3 submissions from 3 submitters: Benign (1); Likely benign (2). Last evaluated 2025-12-10.

Conditions:
Hereditary cancer-predisposing syndrome. Also called: Tumor predisposition; Hereditary Cancer Syndrome; Hereditary neoplastic syndrome; Neoplastic Syndromes, Hereditary. Identifiers: Orphanet 140162, MedGen C0027672, MeSH D009386, MONDO:0015356.
Tuberous sclerosis 2 (TSC2). Identifiers: Orphanet 805, MedGen C1860707, MONDO:0013199, OMIM 613254.

gnomAD v4.1: 1 of 1,610,974 alleles (0.000062%); highest among the groups gnomAD compares: Non-Finnish European, 0.000085%; no homozygotes.

Submissions (3):

Labcorp Genetics (formerly Invitae), Labcorp
Classification: Likely benign for Tuberous sclerosis 2. Last evaluated: 2025-12-10. Review status: criteria provided, single submitter. Criteria: Invitae Variant Classification Sherloc (09022015). Collection method: clinical testing. Allele origin: germline.

Myriad Genetics, Inc.
Classification: Benign for Tuberous sclerosis 2. Last evaluated: 2025-06-05. Review status: criteria provided, single submitter. Criteria: Myriad Autosomal Dominant, Autosomal Recessive and X-Linked Classification Criteria (2023). Collection method: clinical testing. Allele origin: unknown.
Comment: This variant is considered benign. This variant is a silent/synonymous amino acid change and it is not expected to impact splicing.

Ambry Genetics
Classification: Likely benign for Hereditary cancer-predisposing syndrome. Last evaluated: 2022-11-30. Review status: criteria provided, single submitter. Criteria: Ambry Variant Classification Scheme 2023. Collection method: clinical testing. Allele origin: germline.